The following is an entry in ClinVar:

NM_003919.3(SGCE):c.1065-2A>G

Genes: CASD1 (CAS1 domain sialic acid O acetyltransferase 1; plus strand), SGCE (sarcoglycan epsilon; minus strand). Cytogenetic location: 7q21.3.
Variant type: single nucleotide variant.
Coding change: c.1065-2A>G on transcript NM_003919.3 (MANE Select); the canonical splice acceptor site of the intron before coding-DNA position 1065, A replaced by G.
Molecular consequence: splice acceptor variant.
Genome position (GRCh38, 1-based): chr7:94,598,965, T>C on the plus strand (A>G on the coding strand, the complement: SGCE is on the minus strand). VCF-style: chr7-94598965-T-C. GRCh37 (hg19) VCF-style: chr7-94228277-T-C.
Other names: c.915-2A>G (NM_001362809.2); c.942-2A>G (NM_001301139.2); c.1038-2A>G (NM_001346717.2, NM_001099400.2); c.1065-2A>G (NM_001099401.2); c.1146-2A>G (NM_001346715.2); c.1173-2A>G (NM_001346713.2); c.951-2A>G (NM_001362807.2); c.765-2A>G (NM_001362808.2); and 2 more.
Identifiers: ClinVar variation 1497970 (VCV001497970.6), dbSNP rs368043832, ClinGen allele CA4348632.

ClinVar aggregate classification (germline): Likely pathogenic (1 of 4 stars; one submission).

Conditions:
Myoclonic dystonia 11 (DYT11). Also called: DYT-SGCE; Myoclonic dystonia; Dystonia 11; Dystonia, alcohol responsive; Hereditary essential myoclonus; SGCE Myoclonus-Dystonia. Identifiers: Orphanet 36899, MedGen C1834570, MONDO:0008044, OMIM 159900.

Allele frequency attached by ClinVar (database versions not stated): gnomAD exomes 0.00001; ExAC 0.00002; ESP Exome Variant Server 0.00015.
gnomAD v4.1: 8 of 1,611,964 alleles (0.0005%); highest among the groups gnomAD compares: Non-Finnish European, 0.00059%; no homozygotes.

Submission:

Labcorp Genetics (formerly Invitae), Labcorp
Classification: Likely pathogenic for Myoclonic dystonia 11. Last evaluated: 2024-08-15. Review status: criteria provided, single submitter. Criteria: Invitae Variant Classification Sherloc (09022015). Collection method: clinical testing. Allele origin: germline.
Comment: This sequence change affects an acceptor splice site in intron 8 of the SGCE gene. It is expected to disrupt RNA splicing. Variants that disrupt the donor or acceptor splice site typically lead to a loss of protein function (PMID: 16199547), and loss-of-function variants in SGCE are known to be pathogenic (PMID: 12821748, 15389977, 17853490, 24297365). This variant is present in population databases (rs368043832, gnomAD 0.002%). This variant has not been reported in the literature in individuals affected with SGCE-related conditions. ClinVar contains an entry for this variant (Variation ID: 1497970). Algorithms developed to predict the effect of sequence changes on RNA splicing suggest that this variant may disrupt the consensus splice site. In summary, the currently available evidence indicates that the variant is pathogenic, but additional data are needed to prove that conclusively. Therefore, this variant has been classified as Likely Pathogenic.

Literature cited by the submitters: PubMed 16199547; PubMed 12821748; PubMed 15389977; PubMed 17853490; PubMed 24297365.